The following is an entry in ClinVar:

ClinVar aggregate classification (germline): Uncertain significance (1 of 4 stars; one submission).

Submission:

GeneDx
Classification: Uncertain significance. Last evaluated: 2024-01-08. Review status: criteria provided, single submitter. Criteria: GeneDx Variant Classification Process June 2021. Collection method: clinical testing. Allele origin: germline. Affected: yes.
Comment: Not observed in large population cohorts (gnomAD); In silico analysis supports that this missense variant has a deleterious effect on protein structure/function. In addition, in silico analysis also supports that this missense variant has a deleterious effect on splicing. In the absence of RNA/functional studies, the actual effect of this sequence change is unknown.; Has not been previously published as pathogenic or benign to our knowledge

NM_001032.5(RPS29):c.76A>G (p.Asn26Asp)

Gene: RPS29 (ribosomal protein S29; minus strand). Cytogenetic location: 14q21.3.
Variant type: single nucleotide variant.
Coding change: c.76A>G on transcript NM_001032.5 (MANE Select); coding-DNA position 76, A replaced by G.
Protein change: p.Asn26Asp; replaces asparagine 26 with aspartic acid.
Molecular consequence: missense variant.
Genome position (GRCh38, 1-based): chr14:49,586,036, T>C on the plus strand (A>G on the coding strand, the complement: RPS29 is on the minus strand). VCF-style: chr14-49586036-T-C. GRCh37 (hg19) VCF-style: chr14-50052754-T-C.
Other names: c.76A>G, p.Asn26Asp (NM_001030001.4); c.67A>G, p.Asn23Asp (NM_001351375.2); short protein forms N23D, N26D.
Identifiers: ClinVar variation 3340883 (VCV003340883.1).